The following is an entry in ClinVar:

ClinVar aggregate classification (germline): Conflicting classifications of pathogenicity. Review status: criteria provided, conflicting classifications (1 of 4 stars). 3 submissions from 3 submitters: Uncertain significance (1); Likely benign (2). Last evaluated 2025-11-20.

Allele frequency attached by ClinVar (database versions not stated): ExAC 0.00002; gnomAD 0.00003 and 0.00004; TOPMed 0.00006; ESP Exome Variant Server 0.00008.
gnomAD v4.1: 85 of 1,613,696 alleles (0.0053%); highest among the groups gnomAD compares: Non-Finnish European, 0.0064%; no homozygotes.

Submissions (3):

Greenwood Genetic Center Diagnostic Laboratories, Greenwood Genetic Center
Classification: Uncertain significance. Last evaluated: 2025-11-20. Review status: criteria provided, single submitter. Criteria: ACMG Guidelines, 2015. Collection method: clinical testing. Allele origin: germline. Affected: yes.
Comment: PM2, PP2

CeGaT Center for Human Genetics Tuebingen
Classification: Likely benign. Last evaluated: 2024-03-01. Review status: criteria provided, single submitter. Criteria: CeGaT Center For Human Genetics Tuebingen Variant Classification Criteria Version 2. Collection method: clinical testing. Allele origin: germline. Affected: yes. Observed: 1 variant allele.
Comment: HERC1: BP4, BP7

Labcorp Genetics (formerly Invitae), Labcorp
Classification: Likely benign. Last evaluated: 2018-07-06. Review status: criteria provided, single submitter. Criteria: Invitae Variant Classification Sherloc (09022015). Collection method: clinical testing. Allele origin: germline.

NM_003922.4(HERC1):c.12357C>T (p.Ser4119=)

Gene: HERC1 (HECT and RLD domain containing E3 ubiquitin protein ligase family member 1; minus strand). Cytogenetic location: 15q22.31.
Variant type: single nucleotide variant.
Coding change: c.12357C>T on transcript NM_003922.4 (MANE Select); coding-DNA position 12357, C replaced by T.
Protein change: p.Ser4119=; no amino-acid change (serine 4119 retained).
Molecular consequence: synonymous variant.
Genome position (GRCh38, 1-based): chr15:63,636,018, G>A on the plus strand (C>T on the coding strand, the complement: HERC1 is on the minus strand). VCF-style: chr15-63636018-G-A. GRCh37 (hg19) VCF-style: chr15-63928217-G-A.
Identifiers: ClinVar variation 756321 (VCV000756321.25), dbSNP rs376591272, ClinGen allele CA7604021.